The following is an entry in ClinVar:

NM_006593.4(TBR1):c.430C>T (p.Arg144Cys)

Gene: TBR1 (T-box brain transcription factor 1; plus strand). Cytogenetic location: 2q24.2.
Variant type: single nucleotide variant.
Coding change: c.430C>T on transcript NM_006593.4 (MANE Select); coding-DNA position 430, C replaced by T.
Protein change: p.Arg144Cys; replaces arginine 144 with cysteine.
Molecular consequence: missense variant.
Genome position (GRCh38, 1-based): chr2:161,416,840, C>T. VCF-style: chr2-161416840-C-T. GRCh37 (hg19) VCF-style: chr2-162273351-C-T.
Other names: short protein forms R144C.
Identifiers: ClinVar variation 3899217 (VCV003899217.1).

ClinVar aggregate classification (germline): Uncertain significance (1 of 4 stars; one submission).

Submission:

GeneDx
Classification: Uncertain significance. Last evaluated: 2024-11-08. Review status: criteria provided, single submitter. Criteria: GeneDx Variant Classification Process June 2021. Collection method: clinical testing. Allele origin: germline. Affected: yes.
Comment: Not observed at significant frequency in large population cohorts (gnomAD); In silico analysis indicates that this missense variant does not alter protein structure/function; Has not been previously published as pathogenic or benign to our knowledge